The following is an entry in ClinVar:

NM_022124.6(CDH23):c.1346C>T (p.Thr449Ile)

Gene: CDH23 (cadherin related 23; plus strand). Cytogenetic location: 10q22.1.
Variant type: single nucleotide variant.
Coding change: c.1346C>T on transcript NM_022124.6 (MANE Select); coding-DNA position 1346, C replaced by T.
Protein change: p.Thr449Ile; replaces threonine 449 with isoleucine.
Molecular consequence: missense variant.
Genome position (GRCh38, 1-based): chr10:71,646,514, C>T. VCF-style: chr10-71646514-C-T. GRCh37 (hg19) VCF-style: chr10-73406271-C-T.
Other names: c.1346C>T, p.Thr449Ile (NM_001171930.2, NM_001171931.2, NM_052836.4); short protein forms T449I.
Identifiers: ClinVar variation 1371083 (VCV001371083.3), dbSNP rs200997507, ClinGen allele CA5543782.

ClinVar aggregate classification (germline): Uncertain significance (1 of 4 stars; one submission).

Allele frequency attached by ClinVar (database versions not stated): gnomAD 0.00001; TOPMed below 0.00001; ExAC 0.00001.
gnomAD v4.1: 1 of 1,613,994 alleles (0.000062%); highest among the groups gnomAD compares: African/African-American, 0.0013%; no homozygotes.

Submission:

Labcorp Genetics (formerly Invitae), Labcorp
Classification: Uncertain significance. Last evaluated: 2022-09-07. Review status: criteria provided, single submitter. Criteria: Invitae Variant Classification Sherloc (09022015). Collection method: clinical testing. Allele origin: germline.
Comment: This sequence change replaces threonine, which is neutral and polar, with isoleucine, which is neutral and non-polar, at codon 449 of the CDH23 protein (p.Thr449Ile). This variant is not present in population databases (gnomAD no frequency). This variant has not been reported in the literature in individuals affected with CDH23-related conditions. ClinVar contains an entry for this variant (Variation ID: 1371083). Algorithms developed to predict the effect of missense changes on protein structure and function are either unavailable or do not agree on the potential impact of this missense change (SIFT: "Deleterious"; PolyPhen-2: "Not Available"; Align-GVGD: "Class C0"). In summary, the available evidence is currently insufficient to determine the role of this variant in disease. Therefore, it has been classified as a Variant of Uncertain Significance.